The following is an entry in ClinVar:

ClinVar aggregate classification (germline): Uncertain significance (1 of 4 stars; one submission).

Submission:

Labcorp Genetics (formerly Invitae), Labcorp
Classification: Uncertain significance. Last evaluated: 2024-05-30. Review status: criteria provided, single submitter. Criteria: Invitae Variant Classification Sherloc (09022015). Collection method: clinical testing. Allele origin: germline.
Comment: This sequence change replaces valine, which is neutral and non-polar, with isoleucine, which is neutral and non-polar, at codon 419 of the SLC39A7 protein (p.Val419Ile). This variant is present in population databases (no rsID available, gnomAD 0.0009%). This variant has not been reported in the literature in individuals affected with SLC39A7-related conditions. Algorithms developed to predict the effect of missense changes on protein structure and function output the following: SIFT: "Not Available"; PolyPhen-2: "Benign"; Align-GVGD: "Not Available". The isoleucine amino acid residue is found in multiple mammalian species, which suggests that this missense change does not adversely affect protein function. In summary, the available evidence is currently insufficient to determine the role of this variant in disease. Therefore, it has been classified as a Variant of Uncertain Significance.

NM_006979.3(SLC39A7):c.1255G>A (p.Val419Ile)

Gene: SLC39A7 (solute carrier family 39 member 7; plus strand). Cytogenetic location: 6p21.32.
Variant type: single nucleotide variant.
Coding change: c.1255G>A on transcript NM_006979.3 (MANE Select); coding-DNA position 1255, G replaced by A.
Protein change: p.Val419Ile; replaces valine 419 with isoleucine.
Molecular consequence: missense variant.
Genome position (GRCh38, 1-based): chr6:33,203,658, G>A. VCF-style: chr6-33203658-G-A. GRCh37 (hg19) VCF-style: chr6-33171435-G-A.
Other names: c.1255G>A, p.Val419Ile (NM_001077516.2); c.880G>A, p.Val294Ile (NM_001288777.2); short protein forms V294I, V419I.
Identifiers: ClinVar variation 3691514 (VCV003691514.2).
Genomic context (GRCh38, chr6:33,203,658, plus strand): 5'-CTTCTCACTGAAGGAGGAGCAGTGGGCAGTGAAATTGCAGGTGGTGCAGGTCCTGGCTGG[G>A]TCCTGCCATTTACTGCAGGTGGCTTTATCTACGTAGCAACAGTGTCTGTGTTGCCCGAGC-3'
Protein context (NP_008910.2, residues 409-429): EIAGGAGPGW[Val419Ile]LPFTAGGFIY